The following is an entry in ClinVar:

NM_014804.3(KIAA0753):c.2768C>T (p.Pro923Leu)

Gene: KIAA0753 (KIAA0753; minus strand). Cytogenetic location: 17p13.1.
Variant type: single nucleotide variant.
Coding change: c.2768C>T on transcript NM_014804.3 (MANE Select); coding-DNA position 2768, C replaced by T.
Protein change: p.Pro923Leu; replaces proline 923 with leucine.
Molecular consequence: missense variant. On other transcripts: non-coding transcript variant (3).
Genome position (GRCh38, 1-based): chr17:6,589,797, G>A on the plus strand (C>T on the coding strand, the complement: KIAA0753 is on the minus strand). VCF-style: chr17-6589797-G-A. GRCh37 (hg19) VCF-style: chr17-6493117-G-A.
Other names: c.1871C>T, p.Pro624Leu (NM_001351225.2); short protein forms P923L, P624L.
Identifiers: ClinVar variation 377061 (VCV000377061.3), dbSNP rs371406853, ClinGen allele CA8330057.

ClinVar aggregate classification (germline): Uncertain significance (1 of 4 stars; one submission).

Allele frequency attached by ClinVar (database versions not stated): gnomAD exomes 0.00001 and 0.00002; ExAC 0.00002; gnomAD 0.00002 and 0.00003; TOPMed 0.00002; ESP Exome Variant Server 0.00008.
gnomAD v4.1: 19 of 1,606,824 alleles (0.0012%); highest among the groups gnomAD compares: Admixed American, 0.0035%; no homozygotes.

Submission:

Center for Pediatric Genomic Medicine, Children's Mercy Hospital and Clinics
Classification: Uncertain significance. Last evaluated: 2016-11-03. Review status: criteria provided, single submitter. Criteria: ACMG Guidelines, 2015. Collection method: clinical testing. Allele origin: germline.
ClinVar note: Converted during submission from Uncertain Significance to Uncertain significance.